The following is an entry in ClinVar:

ClinVar aggregate classification (germline): Likely benign. Review status: reviewed by expert panel (3 of 4 stars). 10 submissions from 10 submitters: Likely benign (1). 9 of the submissions do not count toward it. Last evaluated 2017-06-29.

Conditions:
BRCA2-related cancer predisposition. Identifiers: MedGen CN377758, MONDO:0700269.
Hereditary cancer-predisposing syndrome. Also called: Tumor predisposition; Neoplastic Syndromes, Hereditary; Hereditary Cancer Syndrome; Hereditary neoplastic syndrome. Identifiers: Orphanet 140162, MedGen C0027672, MeSH D009386, MONDO:0015356.
Hereditary breast ovarian cancer syndrome. Also called: Hereditary breast and ovarian cancer syndrome (HBOC); Hereditary breast and ovarian cancer; Hereditary breast and ovarian cancer syndrome; Hereditary breast and/or ovarian cancer syndrome; Breast and ovarian cancer; BRCA1- and BRCA2-Associated Hereditary Breast and Ovarian Cancer. Identifiers: Orphanet 145, MedGen C0677776, MeSH D061325, MONDO:0003582. Disease mechanism: loss of function.
Breast-ovarian cancer, familial, susceptibility to, 2 (BROVCA2). Also called: BRCA2 Hereditary Breast and Ovarian Cancer. Identifiers: Orphanet 145, MedGen C2675520, MONDO:0012933, OMIM 612555. Disease mechanism: loss of function.

Allele frequency attached by ClinVar (database versions not stated): gnomAD exomes below 0.00001 and 0.00001; ExAC 0.00001; gnomAD 0.00001 and 0.00002; TOPMed 0.00003; 1000 Genomes Project 30x 0.00016; 1000 Genomes Project 0.00020.
gnomAD v4.1: 4 of 1,614,062 alleles (0.00025%); highest among the groups gnomAD compares: African/African-American, 0.004%; no homozygotes.

Submissions (10):

Evidence-based Network for the Interpretation of Germline Mutant Alleles (ENIGMA)
Classification: Likely benign for Breast-ovarian cancer, familial, susceptibility to, 2. Last evaluated: 2017-06-29. Review status: reviewed by expert panel. Criteria: ENIGMA BRCA1/2 Classification Criteria (2017-06-29). Collection method: curation. Allele origin: germline.
Comment: Synonymous substitution variant, with low bioinformatic likelihood to result in a splicing aberration (Splicing prior probability 0.02).

Women's Health and Genetics/Laboratory Corporation of America, LabCorp
Classification: Likely benign. Last evaluated: 2026-04-09. Review status: criteria provided, single submitter. Criteria: LabCorp Variant Classification Summary - May 2015. Collection method: clinical testing. Allele origin: germline. Not counted in ClinVar's aggregate classification.

Labcorp Genetics (formerly Invitae), Labcorp
Classification: Likely benign for Hereditary breast ovarian cancer syndrome. Last evaluated: 2025-07-24. Review status: criteria provided, single submitter. Criteria: Invitae Variant Classification Sherloc (09022015). Collection method: clinical testing. Allele origin: germline. Not counted in ClinVar's aggregate classification.

Quest Diagnostics Nichols Institute San Juan Capistrano
Classification: Likely benign. Last evaluated: 2025-03-08. Review status: criteria provided, single submitter. Criteria: Quest Diagnostics criteria. Collection method: clinical testing. Allele origin: unknown. Not counted in ClinVar's aggregate classification.

All of Us Research Program, National Institutes of Health
Classification: Likely benign for BRCA2-related cancer predisposition. Last evaluated: 2024-03-24. Review status: criteria provided, single submitter. Criteria: ACMG Guidelines, 2015. Collection method: clinical testing. Allele origin: germline. Inheritance: Autosomal dominant inheritance. Observed: 3 variant alleles, 3 heterozygotes. Not counted in ClinVar's aggregate classification.
Comment: This study involves interpretation of variants in research participants for the purpose of population health screening. Participant phenotype was not available at the time of variant classification. Additional details can be found in publication PMID: 35346344, PMCID: PMC8962531

Sema4
Classification: Likely benign for Hereditary cancer-predisposing syndrome. Last evaluated: 2021-07-23. Review status: criteria provided, single submitter. Criteria: Sema4 Curation Guidelines. Collection method: curation. Allele origin: germline. Not counted in ClinVar's aggregate classification.

ARUP Laboratories, Molecular Genetics and Genomics, ARUP Laboratories
Classification: Likely benign. Last evaluated: 2021-03-24. Review status: criteria provided, single submitter. Criteria: ARUP Molecular Germline Variant Investigation Process 2021. Collection method: clinical testing. Allele origin: germline. Not counted in ClinVar's aggregate classification.

GeneDx
Classification: Likely benign. Last evaluated: 2018-07-25. Review status: criteria provided, single submitter. Criteria: GeneDx Variant Classification Process June 2021. Collection method: clinical testing. Allele origin: germline. Affected: yes. Not counted in ClinVar's aggregate classification.

Color Diagnostics, LLC DBA Color Health
Classification: Likely benign for Hereditary cancer-predisposing syndrome. Last evaluated: 2018-07-17. Review status: criteria provided, single submitter. Criteria: ACMG Guidelines, 2015. Collection method: clinical testing. Allele origin: germline. Not counted in ClinVar's aggregate classification.

Ambry Genetics
Classification: Likely benign for Hereditary cancer-predisposing syndrome. Last evaluated: 2015-04-23. Review status: criteria provided, single submitter. Criteria: Ambry Variant Classification Scheme 2023. Collection method: clinical testing. Allele origin: germline. Not counted in ClinVar's aggregate classification.

NM_000059.4(BRCA2):c.8367T>C (p.Tyr2789=)

Gene: BRCA2 (BRCA2 DNA repair associated; plus strand). Cytogenetic location: 13q13.1.
Variant type: single nucleotide variant.
Coding change: c.8367T>C on transcript NM_000059.4 (MANE Select); coding-DNA position 8367, T replaced by C.
Protein change: p.Tyr2789=; no amino-acid change (tyrosine 2789 retained).
Molecular consequence: synonymous variant.
Genome position (GRCh38, 1-based): chr13:32,370,437, T>C. VCF-style: chr13-32370437-T-C. GRCh37 (hg19) VCF-style: chr13-32944574-T-C.
Identifiers: ClinVar variation 184836 (VCV000184836.33), dbSNP rs201057885, ClinGen allele CA025607.